The following is an entry in ClinVar:

ClinVar aggregate classification (germline): Uncertain significance. Review status: criteria provided, single submitter (1 of 4 stars). 2 submissions from 2 submitters: Uncertain significance (1). 1 of the submissions does not count toward it. Last evaluated 2025-01-03.

Conditions:
Inborn genetic diseases. Identifiers: MedGen C0950123, MeSH D030342.
SHANK3-related disorder. Also called: SHANK3-related condition.

Submissions (2):

Ambry Genetics
Classification: Uncertain significance for Inborn genetic diseases. Last evaluated: 2025-01-03. Review status: criteria provided, single submitter. Criteria: Ambry Variant Classification Scheme 2023. Collection method: clinical testing. Allele origin: germline.

PreventionGenetics, part of Exact Sciences
Classification: Uncertain significance for SHANK3-related condition. Last evaluated: 2024-08-27. Review status: no assertion criteria provided. Collection method: clinical testing. Allele origin: germline. Not counted in ClinVar's aggregate classification.
Comment: The SHANK3 c.2548A>G variant is predicted to result in the amino acid substitution p.Thr850Ala. To our knowledge, this variant has not been reported in the literature or in a large population database, indicating this variant is rare. At this time, the clinical significance of this variant is uncertain due to the absence of conclusive functional and genetic evidence.

NM_001372044.2(SHANK3):c.2773A>G (p.Thr925Ala)

Gene: SHANK3 (SH3 and multiple ankyrin repeat domains 3; plus strand). Cytogenetic location: 22q13.33.
Variant type: single nucleotide variant.
Coding change: c.2773A>G on transcript NM_001372044.2 (MANE Select); coding-DNA position 2773, A replaced by G.
Protein change: p.Thr925Ala; replaces threonine 925 with alanine.
Molecular consequence: missense variant.
Genome position (GRCh38, 1-based): chr22:50,720,381, A>G. VCF-style: chr22-50720381-A-G. GRCh37 (hg19) VCF-style: chr22-51158809-A-G.
Other names: c.2548A>G (NM_033517.1); short protein forms T925A.
Identifiers: ClinVar variation 3355712 (VCV003355712.2).